The following is an entry in ClinVar:

NM_001164508.2(NEB):c.4834C>T (p.Arg1612Cys)

Gene: NEB (nebulin; minus strand). Cytogenetic location: 2q23.3.
Variant type: single nucleotide variant.
Coding change: c.4834C>T on transcript NM_001164508.2 (MANE Select); coding-DNA position 4834, C replaced by T.
Protein change: p.Arg1612Cys; replaces arginine 1612 with cysteine.
Molecular consequence: missense variant.
Genome position (GRCh38, 1-based): chr2:151,666,287, G>A on the plus strand (C>T on the coding strand, the complement: NEB is on the minus strand). VCF-style: chr2-151666287-G-A. GRCh37 (hg19) VCF-style: chr2-152522801-G-A.
Other names: p.Arg1612Cys; c.4834C>T, p.Arg1612Cys (NM_001164507.2, NM_001271208.2, NM_004543.5); short protein forms R1612C.
Identifiers: ClinVar variation 74142 (VCV000074142.35), dbSNP rs200545007, ClinGen allele CA1910523.

ClinVar aggregate classification (germline): Conflicting classifications of pathogenicity. Review status: criteria provided, conflicting classifications (1 of 4 stars). 10 submissions from 10 submitters: Uncertain significance (6); Likely benign (2). 2 of the submissions do not count toward it. Last evaluated 2026-01-28.

Conditions:
NEB-related disorder. Also called: NEB-related condition; NEB-Related Disorders.
Inborn genetic diseases. Identifiers: MedGen C0950123, MeSH D030342.
Nemaline myopathy 2 (NEM2). Also called: Nemaline myopathy 2, autosomal recessive. Identifiers: MedGen C1850569, MONDO:0009725, OMIM 256030.

Allele frequency attached by ClinVar (database versions not stated): 1000 Genomes Project 0.00060; 1000 Genomes Project 30x 0.00078; gnomAD 0.00108; TOPMed 0.00108; ESP Exome Variant Server 0.00114.
gnomAD v4.1: 749 of 1,613,854 alleles (0.046%); highest among the groups gnomAD compares: African/African-American, 0.26%; 3 homozygotes.

Submissions (10):

Labcorp Genetics (formerly Invitae), Labcorp
Classification: Likely benign for Nemaline myopathy 2. Last evaluated: 2026-01-28. Review status: criteria provided, single submitter. Criteria: Invitae Variant Classification Sherloc (09022015). Collection method: clinical testing. Allele origin: germline.

Dasa
Classification: Uncertain significance. Last evaluated: 2025-08-09. Review status: criteria provided, single submitter. Criteria: DASA Assertion Criteria. Collection method: clinical testing. Allele origin: germline.
Comment: NM_001164508.2(NEB):c.4834C>T (p.Arg1612Cys) is a missense variant that results in the substitution of arginine with cysteine. This variant has been observed in affected individuals with NEB-related disorders. Also, this variant is rare in population databases. The currently available literature and clinical evidence are not sufficient to establish a definitive association between this variant and the reported condition. Therefore, this variant is classified as a variant of uncertain significance.

Ambry Genetics
Classification: Uncertain significance for Inborn genetic diseases. Last evaluated: 2025-03-10. Review status: criteria provided, single submitter. Criteria: Ambry Variant Classification Scheme 2023. Collection method: clinical testing. Allele origin: germline.

Blueprint Genetics
Classification: Uncertain significance. Last evaluated: 2024-10-08. Review status: criteria provided, single submitter. Criteria: ACMG Guidelines, 2015. Collection method: clinical testing. Allele origin: germline.

Mayo Clinic Laboratories, Mayo Clinic
Classification: Uncertain significance. Last evaluated: 2022-05-16. Review status: criteria provided, single submitter. Criteria: ACMG Guidelines, 2015. Collection method: clinical testing. Allele origin: germline. Observed: 3 variant alleles.

GeneDx
Classification: Likely benign. Last evaluated: 2020-04-16. Review status: criteria provided, single submitter. Criteria: GeneDx Variant Classification Process June 2021. Collection method: clinical testing. Allele origin: germline. Affected: yes.
Comment: This variant is associated with the following publications: (PMID: 23887774, 23167750)

Illumina Laboratory Services, Illumina
Classification: Uncertain significance for Nemaline myopathy 2. Last evaluated: 2018-01-12. Review status: criteria provided, single submitter. Criteria: ICSL Variant Classification Criteria 13 December 2019. Collection method: clinical testing. Allele origin: germline.

Eurofins Ntd Llc (ga)
Classification: Uncertain significance. Last evaluated: 2017-07-31. Review status: criteria provided, single submitter. Criteria: EGL Classification Definitions 2015. Collection method: clinical testing. Allele origin: germline. Observed: 2 variant alleles, 2 heterozygotes.

PreventionGenetics, part of Exact Sciences
Classification: Likely benign for NEB-related condition. Last evaluated: 2021-04-14. Review status: no assertion criteria provided. Collection method: clinical testing. Allele origin: germline. Not counted in ClinVar's aggregate classification.
Comment: This variant is classified as likely benign based on ACMG/AMP sequence variant interpretation guidelines (Richards et al. 2015 PMID: 25741868, with internal and published modifications).

Natera, Inc.
Classification: Likely benign for Nemaline myopathy type 2. Last evaluated: 2020-09-16. Review status: no assertion criteria provided. Collection method: clinical testing. Allele origin: germline. Not counted in ClinVar's aggregate classification.